The following is an entry in ClinVar:

NM_001374385.1(ATP8B1):c.2771A>G (p.Tyr924Cys)

Genes: ATP8B1-AS1 (ATP8B1 antisense RNA 1; plus strand), ATP8B1 (ATPase phospholipid transporting 8B1; minus strand). Cytogenetic location: 18q21.31.
Variant type: single nucleotide variant.
Coding change: c.2771A>G on transcript NM_001374385.1 (MANE Select); coding-DNA position 2771, A replaced by G.
Protein change: p.Tyr924Cys; replaces tyrosine 924 with cysteine.
Molecular consequence: missense variant.
Genome position (GRCh38, 1-based): chr18:57,655,354, T>C on the plus strand (A>G on the coding strand, the complement: ATP8B1 is on the minus strand). VCF-style: chr18-57655354-T-C. GRCh37 (hg19) VCF-style: chr18-55322586-T-C.
Other names: c.2621A>G, p.Tyr874Cys (NM_001374386.1); c.2771A>G, p.Tyr924Cys (NM_005603.6); c.2771A>G (NM_005603.4); short protein forms Y924C, Y874C.
Identifiers: ClinVar variation 596205 (VCV000596205.7), dbSNP rs145287364, ClinGen allele CA8974166.
Genomic context (GRCh38, chr18:57,655,354, plus strand): 5'-TAAGACCATCGGCCATGCACCAGCAGTAGCCTCTGCAGATATCGGAACTGAGCAAAGGAA[T>C]AGTCACTCGACATGACAGCTTGCATTCCTTCTTGTCCACTTATTCCAACGCCAATGTGGG-3'
Protein context (NP_001361314.1, residues 914-934): EGMQAVMSSD[Tyr924Cys]SFAQFRYLQR

ClinVar aggregate classification (germline): Uncertain significance. Review status: criteria provided, multiple submitters, no conflicts (2 of 4 stars). 3 submissions from 3 submitters: Uncertain significance (2). 1 of the submissions does not count toward it. Last evaluated 2026-04-14.

Conditions:
Familial intrahepatic cholestasis. Identifiers: Orphanet 284385, MedGen CN296401, MONDO:0017290.
ATP8B1-related disorder. Also called: ATP8B1-related condition; ATP8B1-related disorders.

Allele frequency attached by ClinVar (database versions not stated): ExAC 0.00001; gnomAD exomes 0.00004 and 0.00006; gnomAD 0.00006 and 0.00009; TOPMed 0.00010; ESP Exome Variant Server 0.00031.
gnomAD v4.1: 106 of 1,614,090 alleles (0.0066%); highest among the groups gnomAD compares: Middle Eastern, 0.066%; no homozygotes.

Submissions (3):

Genomenon, Inc
Classification: Uncertain significance for Familial intrahepatic cholestasis. Last evaluated: 2026-04-14. Review status: criteria provided, single submitter. Criteria: Genomenon Sequence Variant Interpretation Standards - Updated. Collection method: curation. Allele origin: germline. Affected: yes.
Comment: ATP8B1 p.Tyr924Cys (c.2771A>G) is a missense variant that changes the amino acid at residue 924 from Tyrosine to Cysteine. This variant has been reported in at least one proband with features of ATP8B1-deficiency (PMID:40622192). It is absent or not present at a significant frequency in gnomAD. In silico models predict that this variant is possibly or probably damaging. In conclusion, we classify ATP8B1 p.Tyr924Cys (c.2771A>G) as a variant of uncertain significance.

Eurofins Ntd Llc (ga)
Classification: Uncertain significance. Last evaluated: 2018-02-21. Review status: criteria provided, single submitter. Criteria: EGL ClinVar v180209 classification definitions. Collection method: clinical testing. Allele origin: germline. Observed: 1 variant allele, 1 heterozygote.

PreventionGenetics, part of Exact Sciences
Classification: Uncertain significance for ATP8B1-related condition. Last evaluated: 2024-03-28. Review status: no assertion criteria provided. Collection method: clinical testing. Allele origin: germline. Not counted in ClinVar's aggregate classification.
Comment: The ATP8B1 c.2771A>G variant is predicted to result in the amino acid substitution p.Tyr924Cys. To our knowledge, this variant has not been reported in the literature in affected individuals. This variant is reported in 0.016% of alleles in individuals of African descent in gnomAD. At this time, the clinical significance of this variant is uncertain due to the absence of conclusive functional and genetic evidence.

Literature cited by the submitters: PubMed 40622192 (cited by Genomenon, Inc).